The following is an entry in ClinVar:

ClinVar aggregate classification (germline): Uncertain significance (1 of 4 stars; one submission).

Conditions:
Familial sleep-related hypermotor epilepsy. Also called: Autosomal Dominant Sleep-Related Hypermotor (Hyperkinetic) Epilepsy. Identifiers: Orphanet 98784, MedGen C3696898, MONDO:0000030.

gnomAD v4.1: 2 of 1,614,096 alleles (0.00012%); highest among the groups gnomAD compares: African/African-American, 0.0027%; no homozygotes.

Submission:

Labcorp Genetics (formerly Invitae), Labcorp
Classification: Uncertain significance. Last evaluated: 2024-09-12. Review status: criteria provided, single submitter. Criteria: Invitae Variant Classification Sherloc (09022015). Collection method: clinical testing. Allele origin: germline.
Comment: This sequence change replaces threonine, which is neutral and polar, with serine, which is neutral and polar, at codon 170 of the CHRNB2 protein (p.Thr170Ser). This variant is not present in population databases (gnomAD no frequency). This variant has not been reported in the literature in individuals affected with CHRNB2-related conditions. Invitae Evidence Modeling of protein sequence and biophysical properties (such as structural, functional, and spatial information, amino acid conservation, physicochemical variation, residue mobility, and thermodynamic stability) indicates that this missense variant is not expected to disrupt CHRNB2 protein function with a negative predictive value of 80%. In summary, the available evidence is currently insufficient to determine the role of this variant in disease. Therefore, it has been classified as a Variant of Uncertain Significance.

NM_000748.3(CHRNB2):c.509C>G (p.Thr170Ser)

Gene: CHRNB2 (cholinergic receptor nicotinic beta 2 subunit; plus strand). Cytogenetic location: 1q21.3.
Variant type: single nucleotide variant.
Coding change: c.509C>G on transcript NM_000748.3 (MANE Select); coding-DNA position 509, C replaced by G.
Protein change: p.Thr170Ser; replaces threonine 170 with serine.
Molecular consequence: missense variant.
Genome position (GRCh38, 1-based): chr1:154,571,332, C>G. VCF-style: chr1-154571332-C-G. GRCh37 (hg19) VCF-style: chr1-154543808-C-G.
Other names: short protein forms T170S.
Identifiers: ClinVar variation 3687551 (VCV003687551.2).